The following is an entry in ClinVar:

ClinVar aggregate classification (germline): Uncertain significance (1 of 4 stars; one submission).

Conditions:
Charcot-Marie-Tooth disease type 4. Also called: Charcot-Marie-Tooth, Type 4; Charcot-Marie-Tooth disease, type IV. Identifiers: Orphanet 64749, MedGen C4082197, MONDO:0018995.

Allele frequency attached by ClinVar (database versions not stated): gnomAD exomes below 0.00001.
gnomAD v4.1: 8 of 1,614,054 alleles (0.0005%); highest among the groups gnomAD compares: Non-Finnish European, 0.00068%; no homozygotes.

Submission:

Labcorp Genetics (formerly Invitae), Labcorp
Classification: Uncertain significance for Charcot-Marie-Tooth disease type 4. Last evaluated: 2022-03-03. Review status: criteria provided, single submitter. Criteria: Invitae Variant Classification Sherloc (09022015). Collection method: clinical testing. Allele origin: germline.
Comment: This sequence change replaces glycine, which is neutral and non-polar, with valine, which is neutral and non-polar, at codon 981 of the PRX protein (p.Gly981Val). This variant is present in population databases (no rsID available, gnomAD 0.0009%). This variant has not been reported in the literature in individuals affected with PRX-related conditions. ClinVar contains an entry for this variant (Variation ID: 949249). Algorithms developed to predict the effect of missense changes on protein structure and function are either unavailable or do not agree on the potential impact of this missense change (SIFT: "Deleterious"; PolyPhen-2: "Probably Damaging"; Align-GVGD: "Class C0"). In summary, the available evidence is currently insufficient to determine the role of this variant in disease. Therefore, it has been classified as a Variant of Uncertain Significance.

NM_181882.3(PRX):c.2942G>T (p.Gly981Val)

Gene: PRX (periaxin; minus strand). Cytogenetic location: 19q13.2.
Variant type: single nucleotide variant.
Coding change: c.2942G>T on transcript NM_181882.3 (MANE Select); coding-DNA position 2942, G replaced by T.
Protein change: p.Gly981Val; replaces glycine 981 with valine.
Molecular consequence: missense variant. On other transcripts: 3 prime UTR variant (1).
Genome position (GRCh38, 1-based): chr19:40,395,410, C>A on the plus strand (G>T on the coding strand, the complement: PRX is on the minus strand). VCF-style: chr19-40395410-C-A. GRCh37 (hg19) VCF-style: chr19-40901317-C-A.
Other names: c.*3147G>T (NM_020956.2); short protein forms G981V.
Identifiers: ClinVar variation 949249 (VCV000949249.7), dbSNP rs1568704659, ClinGen allele CA405895270.